The following is an entry in ClinVar:

ClinVar aggregate classification (germline): Conflicting classifications of pathogenicity. Review status: criteria provided, conflicting classifications (1 of 4 stars). 3 submissions from 3 submitters: Uncertain significance (2); Likely benign (1). Last evaluated 2025-05-27.

Conditions:
Familial thoracic aortic aneurysm and aortic dissection (TAAD). Also called: Thoracic aortic aneurysms and dissections. Identifiers: Orphanet 91387, MedGen C4707243, MONDO:0019625.
Aortic aneurysm, familial thoracic 4 (AAT4). Also called: AORTIC ANEURYSM/AORTIC DISSECTION AND PATENT DUCTUS ARTERIOSUS. Identifiers: MedGen C1851504, MONDO:0007568, OMIM 132900.

Allele frequency attached by ClinVar (database versions not stated): gnomAD 0.00001; TOPMed 0.00001; ExAC 0.00002; ESP Exome Variant Server 0.00008.
gnomAD v4.1: 59 of 1,614,014 alleles (0.0037%); highest among the groups gnomAD compares: Admixed American, 0.0067%; no homozygotes.

Submissions (3):

Color Diagnostics, LLC DBA Color Health
Classification: Likely benign for Familial thoracic aortic aneurysm and aortic dissection. Last evaluated: 2025-05-27. Review status: criteria provided, single submitter. Criteria: ACMG Guidelines, 2015. Collection method: clinical testing. Allele origin: germline.

Labcorp Genetics (formerly Invitae), Labcorp
Classification: Uncertain significance for Aortic aneurysm, familial thoracic 4. Last evaluated: 2025-02-09. Review status: criteria provided, single submitter. Criteria: Invitae Variant Classification Sherloc (09022015). Collection method: clinical testing. Allele origin: germline.
Comment: This sequence change replaces alanine, which is neutral and non-polar, with threonine, which is neutral and polar, at codon 1140 of the MYH11 protein (p.Ala1140Thr). This variant is present in population databases (rs148731225, gnomAD 0.01%). This variant has not been reported in the literature in individuals affected with MYH11-related conditions. ClinVar contains an entry for this variant (Variation ID: 927558). Invitae Evidence Modeling of protein sequence and biophysical properties (such as structural, functional, and spatial information, amino acid conservation, physicochemical variation, residue mobility, and thermodynamic stability) indicates that this missense variant is not expected to disrupt MYH11 protein function with a negative predictive value of 95%. In summary, the available evidence is currently insufficient to determine the role of this variant in disease. Therefore, it has been classified as a Variant of Uncertain Significance.

GeneDx
Classification: Uncertain significance. Last evaluated: 2022-10-31. Review status: criteria provided, single submitter. Criteria: GeneDx Variant Classification Process June 2021. Collection method: clinical testing. Allele origin: germline. Affected: yes.
Comment: Has not been previously published as pathogenic or benign to our knowledge; In silico analysis supports that this missense variant does not alter protein structure/function

NM_002474.3(MYH11):c.3397G>A (p.Ala1133Thr)

Gene: MYH11 (myosin heavy chain 11; minus strand). Cytogenetic location: 16p13.11.
Variant type: single nucleotide variant.
Coding change: c.3397G>A on transcript NM_002474.3 (MANE Select); coding-DNA position 3397, G replaced by A.
Protein change: p.Ala1133Thr; replaces alanine 1133 with threonine.
Molecular consequence: missense variant.
Genome position (GRCh38, 1-based): chr16:15,735,475, C>T on the plus strand (G>A on the coding strand, the complement: MYH11 is on the minus strand). VCF-style: chr16-15735475-C-T. GRCh37 (hg19) VCF-style: chr16-15829332-C-T.
Other names: c.3418G>A, p.Ala1140Thr (NM_001040113.2, NM_001040114.2); c.3397G>A, p.Ala1133Thr (NM_022844.3); short protein forms A1133T, A1140T.
Identifiers: ClinVar variation 927558 (VCV000927558.11), dbSNP rs148731225, ClinGen allele CA7922002.